The following is an entry in ClinVar:

NM_002430.3(MN1):c.714G>A (p.Glu238=)

Gene: MN1 (MN1 proto-oncogene, transcriptional regulator; minus strand). Cytogenetic location: 22q12.1.
Variant type: single nucleotide variant.
Coding change: c.714G>A on transcript NM_002430.3 (MANE Select); coding-DNA position 714, G replaced by A.
Protein change: p.Glu238=; no amino-acid change (glutamic acid 238 retained).
Molecular consequence: synonymous variant.
Genome position (GRCh38, 1-based): chr22:27,799,830, C>T on the plus strand (G>A on the coding strand, the complement: MN1 is on the minus strand). VCF-style: chr22-27799830-C-T. GRCh37 (hg19) VCF-style: chr22-28195818-C-T.
Identifiers: ClinVar variation 2653031 (VCV002653031.24), dbSNP rs755678985, ClinGen allele CA10166530.

ClinVar aggregate classification (germline): Likely benign (1 of 4 stars; one submission).

Allele frequency attached by ClinVar (database versions not stated): TOPMed below 0.00001; gnomAD exomes 0.00002; ExAC 0.00004.
gnomAD v4.1: 22 of 1,596,818 alleles (0.0014%); highest among the groups gnomAD compares: South Asian, 0.024%; no homozygotes.

Submission:

CeGaT Center for Human Genetics Tuebingen
Classification: Likely benign. Last evaluated: 2023-09-01. Review status: criteria provided, single submitter. Criteria: CeGaT Center For Human Genetics Tuebingen Variant Classification Criteria Version 2. Collection method: clinical testing. Allele origin: germline. Affected: yes. Observed: 1 variant allele.
Comment: MN1: BP4, BP7